The following is an entry in ClinVar:

ClinVar aggregate classification (germline): Uncertain significance (1 of 4 stars; one submission).

Allele frequency attached by ClinVar (database versions not stated): gnomAD 0.00001; ExAC 0.00002; gnomAD exomes 0.00002; ESP Exome Variant Server 0.00008.
gnomAD v4.1: 18 of 1,461,332 alleles (0.0012%); highest among the groups gnomAD compares: African/African-American, 0.0052%; no homozygotes.

Submission:

GeneDx
Classification: Uncertain significance. Last evaluated: 2024-09-16. Review status: criteria provided, single submitter. Criteria: GeneDx Variant Classification Process June 2021. Collection method: clinical testing. Allele origin: germline. Affected: yes.
Comment: In silico analysis supports that this missense variant has a deleterious effect on protein structure/function; Has not been previously published as pathogenic or benign to our knowledge

NM_001145809.2(MYH14):c.2459G>A (p.Arg820His)

Gene: MYH14 (myosin heavy chain 14; plus strand). Cytogenetic location: 19q13.33.
Variant type: single nucleotide variant.
Coding change: c.2459G>A on transcript NM_001145809.2 (MANE Select); coding-DNA position 2459, G replaced by A.
Protein change: p.Arg820His; replaces arginine 820 with histidine.
Molecular consequence: missense variant.
Genome position (GRCh38, 1-based): chr19:50,261,509, G>A. VCF-style: chr19-50261509-G-A. GRCh37 (hg19) VCF-style: chr19-50764766-G-A.
Other names: c.2360G>A, p.Arg787His (NM_001077186.2); c.2336G>A, p.Arg779His (NM_024729.4); short protein forms R779H, R820H, R787H.
Identifiers: ClinVar variation 426592 (VCV000426592.3), dbSNP rs370765705, ClinGen allele CA9592962.
Genomic context (GRCh38, chr19:50,261,509, plus strand): 5'-CATCACCCCTCTCCCACCCCTCACAGATCCAGGCGCTGGAACTGGACCCCAACCTCTACC[G>A]CGTGGGACAGAGCAAGATCTTCTTCCGGGCTGGGGTCCTGGCCCAGCTGGAAGAGGAGCG-3'
Protein context (NP_001139281.1, residues 810-830): QALELDPNLY[Arg820His]VGQSKIFFRA